The following is an entry in ClinVar:

NM_000535.7(PMS2):c.667del (p.Ser222_Ile223insTer)

Gene: PMS2 (PMS1 homolog 2, mismatch repair system component; minus strand). Cytogenetic location: 7p22.1.
Variant type: Deletion.
Coding change: c.667del on transcript NM_000535.7 (MANE Select); coding-DNA position 667, one base deleted (A; older notation c.667delA).
Protein change: p.Ser222_Ile223insTer.
Molecular consequence: nonsense. On other transcripts: non-coding transcript variant (1), intron variant (9), 5 prime UTR variant (2).
Genome position (GRCh38, 1-based): chr7:5,999,146, T deleted on the plus strand (A on the coding strand, the reverse complement: PMS2 is on the minus strand). VCF-style (leftmost placement, unchanged base first): chr7-5999145-AT-A. GRCh37 (hg19) VCF-style: chr7-6038776-AT-A.
Other names: c.667del, p.Ser222_Ile223insTer (NM_001406871.1, NM_001406872.1, NM_001406873.1 and 4 more transcripts); c.358del, p.Ser119_Ile120insTer (NM_001406875.1, NM_001406877.1, NM_001406878.1 and 6 more transcripts); c.349del, p.Ser116_Ile117insTer (NM_001406876.1, NM_001406883.1, NM_001406901.1 and 4 more transcripts); c.331del, p.Ser110_Ile111insTer (NM_001406885.1); c.262del, p.Ser87_Ile88insTer (NM_001406887.1, NM_001406888.1, NM_001406889.1 and 19 more transcripts); c.132+3307del (NM_001406911.1); c.192+70del (NM_001406904.1, NM_001406905.1); c.133-1723del (NM_001322013.2, NM_001406909.1); and 6 more.
Identifiers: ClinVar variation 3421501 (VCV003421501.1).
Genomic context (GRCh38, chr7:5,999,145, plus strand): 5'-TTGAAGTAACCGGCCATCACTACCTGCTTCTGCCCAAACACAGAGCCGATATTTTCCTTT[AT>A]GCTGGGGCTTCCACCTGTGCATACCACAGGCTGTCGTTTTCCTTGTCCAAGCTGATTGGT-3'

ClinVar aggregate classification (germline): Pathogenic (1 of 4 stars; one submission).

Conditions:
Hereditary cancer-predisposing syndrome. Also called: Neoplastic Syndromes, Hereditary; Tumor predisposition; Hereditary Cancer Syndrome; Hereditary neoplastic syndrome. Identifiers: Orphanet 140162, MedGen C0027672, MeSH D009386, MONDO:0015356.

Submission:

Ambry Genetics
Classification: Pathogenic for Hereditary cancer-predisposing syndrome. Last evaluated: 2024-09-24. Review status: criteria provided, single submitter. Criteria: Ambry Variant Classification Scheme 2023. Collection method: clinical testing. Allele origin: germline.
Comment: The c.667delA pathogenic mutation, located in coding exon 6 of the PMS2 gene, results from a deletion of one nucleotide at nucleotide position 667, causing a translational frameshift with a predicted alternate stop codon (p.I223*). This variant is considered to be rare based on population cohorts in the Genome Aggregation Database (gnomAD). This alteration is expected to result in loss of function by premature protein truncation or nonsense-mediated mRNA decay. As such, this alteration is interpreted as a disease-causing mutation.